The following is an entry in ClinVar:

NM_022773.4(LMF1):c.687C>G (p.Asp229Glu)

Gene: LMF1 (lipase maturation factor 1; minus strand). Cytogenetic location: 16p13.3.
Variant type: single nucleotide variant.
Coding change: c.687C>G on transcript NM_022773.4 (MANE Select); coding-DNA position 687, C replaced by G.
Protein change: p.Asp229Glu; replaces aspartic acid 229 with glutamic acid.
Molecular consequence: missense variant. On other transcripts: non-coding transcript variant (1).
Genome position (GRCh38, 1-based): chr16:893,049, G>C on the plus strand (C>G on the coding strand, the complement: LMF1 is on the minus strand). VCF-style: chr16-893049-G-C. GRCh37 (hg19) VCF-style: chr16-943049-G-C.
Other names: c.36C>G, p.Asp12Glu (NM_001352017.2, NM_001352021.2); c.288C>G, p.Asp96Glu (NM_001352018.2); c.360C>G, p.Asp120Glu (NM_001352019.2); c.687C>G, p.Asp229Glu (NM_001352020.1); short protein forms D120E, D12E, D229E, D96E.
Identifiers: ClinVar variation 3867466 (VCV003867466.1).

ClinVar aggregate classification (germline): Uncertain significance (1 of 4 stars; one submission).

Conditions:
Cardiovascular phenotype. Identifiers: MedGen CN230736.

Submission:

Ambry Genetics
Classification: Uncertain significance for Cardiovascular phenotype. Last evaluated: 2024-12-28. Review status: criteria provided, single submitter. Criteria: Ambry Variant Classification Scheme 2023. Collection method: clinical testing. Allele origin: germline.
Comment: The p.D229E variant (also known as c.687C>G), located in coding exon 5 of the LMF1 gene, results from a C to G substitution at nucleotide position 687. The aspartic acid at codon 229 is replaced by glutamic acid, an amino acid with highly similar properties. This amino acid position is conserved. In addition, the in silico prediction for this alteration is inconclusive. Based on the available evidence, the clinical significance of this variant remains unclear.